The following is an entry in ClinVar:

NM_000814.6(GABRB3):c.421A>G (p.Ile141Val)

Gene: GABRB3 (gamma-aminobutyric acid type A receptor subunit beta3; minus strand). Cytogenetic location: 15q12.
Variant type: single nucleotide variant.
Coding change: c.421A>G on transcript NM_000814.6 (MANE Select); coding-DNA position 421, A replaced by G.
Protein change: p.Ile141Val; replaces isoleucine 141 with valine.
Molecular consequence: missense variant. On other transcripts: non-coding transcript variant (1).
Genome position (GRCh38, 1-based): chr15:26,621,354, T>C on the plus strand (A>G on the coding strand, the complement: GABRB3 is on the minus strand). VCF-style: chr15-26621354-T-C. GRCh37 (hg19) VCF-style: chr15-26866501-T-C.
Other names: c.166A>G, p.Ile56Val (NM_001191320.2, NM_001278631.2); c.208A>G, p.Ile70Val (NM_001191321.3); c.421A>G, p.Ile141Val (NM_021912.5); short protein forms I141V, I56V, I70V.
Identifiers: ClinVar variation 3369455 (VCV003369455.1).

ClinVar aggregate classification (germline): Uncertain significance (1 of 4 stars; one submission).

Submission:

GeneDx
Classification: Uncertain significance. Last evaluated: 2024-02-26. Review status: criteria provided, single submitter. Criteria: GeneDx Variant Classification Process June 2021. Collection method: clinical testing. Allele origin: germline. Affected: yes.
Comment: Not observed at significant frequency in large population cohorts (gnomAD); In silico analysis supports that this missense variant does not alter protein structure/function; Has not been previously published as pathogenic or benign to our knowledge